The following is an entry in ClinVar:

ClinVar aggregate classification (germline): Uncertain significance (1 of 4 stars; one submission).

Conditions:
Familial isolated arrhythmogenic right ventricular dysplasia. Identifiers: Orphanet 217656, MedGen C4274968, MONDO:0016342.

Submission:

All of Us Research Program, National Institutes of Health
Classification: Uncertain significance for Familial isolated arrhythmogenic right ventricular dysplasia. Last evaluated: 2023-05-04. Review status: criteria provided, single submitter. Criteria: ACMG Guidelines, 2015. Collection method: clinical testing. Allele origin: germline. Inheritance: Autosomal dominant inheritance. Observed: 1 variant allele, 1 heterozygote.
Comment: This missense variant replaces isoleucine with methionine at codon 506 of the DSC2 protein. Computational prediction suggests that this variant may not impact protein structure and function (internally defined REVEL score threshold <= 0.5, PMID: 27666373). To our knowledge, functional studies have not been reported for this variant. This variant has not been reported in individuals affected with DSC2-related disorders in the literature. This variant has been identified in 1/251050 chromosomes in the general population by the Genome Aggregation Database (gnomAD). The available evidence is insufficient to determine the role of this variant in disease conclusively. Therefore, this variant is classified as a Variant of Uncertain Significance.

This study involves interpretation of variants in research participants for the purpose of population health screening. Participant phenotype was not available at the time of variant classification. Additional details can be found in publication PMID: 35346344, PMCID: PMC8962531

NM_024422.6(DSC2):c.1518A>G (p.Ile506Met)

Gene: DSC2 (desmocollin 2; minus strand). Cytogenetic location: 18q12.1.
Variant type: single nucleotide variant.
Coding change: c.1518A>G on transcript NM_024422.6 (MANE Select); coding-DNA position 1518, A replaced by G.
Protein change: p.Ile506Met; replaces isoleucine 506 with methionine.
Molecular consequence: missense variant.
Genome position (GRCh38, 1-based): chr18:31,080,098, T>C on the plus strand (A>G on the coding strand, the complement: DSC2 is on the minus strand). VCF-style: chr18-31080098-T-C. GRCh37 (hg19) VCF-style: chr18-28660064-T-C.
Other names: c.1089A>G, p.Ile363Met (NM_001406506.1, NM_001406507.1); c.1518A>G, p.Ile506Met (NM_004949.5); short protein forms I363M, I506M.
Identifiers: ClinVar variation 3070874 (VCV003070874.1), dbSNP rs1378306486, ClinGen allele CA402108321.
Genomic context (GRCh38, chr18:31,080,098, plus strand): 5'-TATAATAACGTAACAAAATAAGCTATATATTTTAAAACTAAAATAGAATGGTAAGTACCT[T>C]ATGCCACTGCTACTTCTTGTTTCTGGGTCATATGCTTTATATCCATTGCTTGTTGTTCCC-3'
Protein context (NP_077740.1, residues 496-516): YDPETRSSSG[Ile506Met]RYKKLTDPTG